The following is an entry in ClinVar:

NM_004385.5(VCAN):c.421G>A (p.Asp141Asn)

Gene: VCAN (versican; plus strand). Cytogenetic location: 5q14.2.
Variant type: single nucleotide variant.
Coding change: c.421G>A on transcript NM_004385.5 (MANE Select); coding-DNA position 421, G replaced by A.
Protein change: p.Asp141Asn; replaces aspartic acid 141 with asparagine.
Molecular consequence: missense variant.
Genome position (GRCh38, 1-based): chr5:83,490,448, G>A. VCF-style: chr5-83490448-G-A. GRCh37 (hg19) VCF-style: chr5-82786267-G-A.
Other names: c.421G>A, p.Asp141Asn (NM_001126336.3, NM_001164097.2, NM_001164098.2); short protein forms D141N.
Identifiers: ClinVar variation 1464714 (VCV001464714.8), dbSNP rs375636441, ClinGen allele CA3332451.

ClinVar aggregate classification (germline): Uncertain significance (1 of 4 stars; one submission).

Allele frequency attached by ClinVar (database versions not stated): TOPMed below 0.00001; ExAC 0.00001; ESP Exome Variant Server 0.00008.

Submission:

Labcorp Genetics (formerly Invitae), Labcorp
Classification: Uncertain significance. Last evaluated: 2022-07-05. Review status: criteria provided, single submitter. Criteria: Invitae Variant Classification Sherloc (09022015). Collection method: clinical testing. Allele origin: germline.
Comment: In summary, the available evidence is currently insufficient to determine the role of this variant in disease. Therefore, it has been classified as a Variant of Uncertain Significance. Algorithms developed to predict the effect of missense changes on protein structure and function (SIFT, PolyPhen-2, Align-GVGD) all suggest that this variant is likely to be tolerated. ClinVar contains an entry for this variant (Variation ID: 1464714). This variant has not been reported in the literature in individuals affected with VCAN-related conditions. This variant is present in population databases (rs375636441, gnomAD 0.007%). This sequence change replaces aspartic acid, which is acidic and polar, with asparagine, which is neutral and polar, at codon 141 of the VCAN protein (p.Asp141Asn).